The following is an entry in ClinVar:

ClinVar aggregate classification (germline): Uncertain significance (1 of 4 stars; one submission).

Submission:

GeneDx
Classification: Uncertain significance. Last evaluated: 2023-12-14. Review status: criteria provided, single submitter. Criteria: GeneDx Variant Classification Process June 2021. Collection method: clinical testing. Allele origin: germline. Affected: yes.
Comment: Not observed at significant frequency in large population cohorts (gnomAD); In-silico analysis is inconclusive as to whether the variant impacts protein structure/function. In the absence of functional studies, the actual effect of this sequence change is unknown; Has not been previously published as pathogenic or benign to our knowledge

NM_019066.5(MAGEL2):c.574C>T (p.Pro192Ser)

Gene: MAGEL2 (MAGE family member L2; minus strand). Cytogenetic location: 15q11.2.
Variant type: single nucleotide variant.
Coding change: c.574C>T on transcript NM_019066.5 (MANE Select); coding-DNA position 574, C replaced by T.
Protein change: p.Pro192Ser; replaces proline 192 with serine.
Molecular consequence: missense variant.
Genome position (GRCh38, 1-based): chr15:23,647,169, G>A on the plus strand (C>T on the coding strand, the complement: MAGEL2 is on the minus strand). VCF-style: chr15-23647169-G-A. GRCh37 (hg19) VCF-style: chr15-23892316-G-A.
Other names: short protein forms P192S.
Identifiers: ClinVar variation 3253279 (VCV003253279.1), dbSNP rs2503984015.
Genomic context (GRCh38, chr15:23,647,169, plus strand): 5'-GATGAGCCATCGGTGTCCCCGGAGGGGGAGGATGAGCCATCGGTGTCCCCGGAGGGGGAG[G>A]ATGAGCCATCGGGGTCCCCGGAGGAGGAGGATGCACCATCGGGGTCCCCGGAGGAGGAGG-3'
Protein context (NP_061939.3, residues 182-202): PPPPGTPMAH[Pro192Ser]PPPGTPMAHP